The following is an entry in ClinVar:

NM_001080442.3(SLC38A8):c.589C>T (p.Leu197Phe)

Gene: SLC38A8 (solute carrier family 38 member 8; minus strand). Cytogenetic location: 16q23.3.
Variant type: single nucleotide variant.
Coding change: c.589C>T on transcript NM_001080442.3 (MANE Select); coding-DNA position 589, C replaced by T.
Protein change: p.Leu197Phe; replaces leucine 197 with phenylalanine.
Molecular consequence: missense variant.
Genome position (GRCh38, 1-based): chr16:84,031,910, G>A on the plus strand (C>T on the coding strand, the complement: SLC38A8 is on the minus strand). VCF-style: chr16-84031910-G-A. GRCh37 (hg19) VCF-style: chr16-84065515-G-A.
Other names: c.589C>T (NM_001080442.1, NM_001080442.2); short protein forms L197F.
Identifiers: ClinVar variation 1916488 (VCV001916488.6), dbSNP rs763037826, ClinGen allele CA8200178.
Genomic context (GRCh38, chr16:84,031,910, plus strand): 5'-TGTTCCCTCAGACTTACCTCAGTGAAGGATGGGACTCACGCACGAGGCCCTGGGGCCAGA[G>A]GTAGTACTGCACGGTGATGACCAGGGCCAGGTAACAGGCAGCCAGAGTGCCTAGGATGCT-3'
Protein context (NP_001073911.1, residues 187-207): LALVITVQYY[Leu197Phe]WPQGLVRESH

ClinVar aggregate classification (germline): Uncertain significance. Review status: criteria provided, multiple submitters, no conflicts (2 of 4 stars). 3 submissions from 3 submitters: Uncertain significance (3). Last evaluated 2025-06-07.

Conditions:
Foveal hypoplasia - optic nerve decussation defect - anterior segment dysgenesis syndrome. Also called: Foveal hypoplasia 2; FOVEAL HYPOPLASIA 2 WITH OR WITHOUT OPTIC NERVE MISROUTING AND/OR ANTERIOR SEGMENT DYSGENESIS; FOVEAL HYPOPLASIA 2 WITH OR WITHOUT MICROPHTHALMIA OR COLOBOMA; FOVEAL HYPOPLASIA 2 WITH OPTIC NERVE DECUSSATION DEFECTS AND ANTERIOR SEGMENT DYSGENESIS WITHOUT ALBINISM. Identifiers: Orphanet 397618, MedGen C3807873, MONDO:0012216, OMIM 609218.
Inborn genetic diseases. Identifiers: MedGen C0950123, MeSH D030342.

Allele frequency attached by ClinVar (database versions not stated): TOPMed below 0.00001; ExAC 0.00015.
gnomAD v4.1: 81 of 1,614,090 alleles (0.005%); highest among the groups gnomAD compares: South Asian, 0.078%; no homozygotes.

Submissions (3):

Ambry Genetics
Classification: Uncertain significance for Inborn genetic diseases. Last evaluated: 2025-06-07. Review status: criteria provided, single submitter. Criteria: Ambry Variant Classification Scheme 2023. Collection method: clinical testing. Allele origin: germline.

Revvity Omics, Revvity
Classification: Uncertain significance for Foveal hypoplasia - optic nerve decussation defect - anterior segment dysgenesis syndrome. Last evaluated: 2022-08-02. Review status: criteria provided, single submitter. Criteria: ACMG Guidelines, 2015. Collection method: clinical testing. Allele origin: germline.

Labcorp Genetics (formerly Invitae), Labcorp
Classification: Uncertain significance. Last evaluated: 2022-06-08. Review status: criteria provided, single submitter. Criteria: Invitae Variant Classification Sherloc (09022015). Collection method: clinical testing. Allele origin: germline.
Comment: This sequence change replaces leucine, which is neutral and non-polar, with phenylalanine, which is neutral and non-polar, at codon 197 of the SLC38A8 protein (p.Leu197Phe). This variant is present in population databases (rs763037826, gnomAD 0.1%). This variant has not been reported in the literature in individuals affected with SLC38A8-related conditions. Algorithms developed to predict the effect of missense changes on protein structure and function output the following: SIFT: "Tolerated"; PolyPhen-2: "Benign"; Align-GVGD: "Class C0". The phenylalanine amino acid residue is found in multiple mammalian species, which suggests that this missense change does not adversely affect protein function. In summary, the available evidence is currently insufficient to determine the role of this variant in disease. Therefore, it has been classified as a Variant of Uncertain Significance.